The following is an entry in ClinVar:

NM_001148.6(ANK2):c.9293A>G (p.Gln3098Arg)

Gene: ANK2 (ankyrin 2; plus strand). Cytogenetic location: 4q26.
Variant type: single nucleotide variant.
Coding change: c.9293A>G on transcript NM_001148.6 (MANE Select); coding-DNA position 9293, A replaced by G.
Protein change: p.Gln3098Arg; replaces glutamine 3098 with arginine.
Molecular consequence: missense variant. On other transcripts: intron variant (68).
Genome position (GRCh38, 1-based): chr4:113,357,911, A>G. VCF-style: chr4-113357911-A-G. GRCh37 (hg19) VCF-style: chr4-114279067-A-G.
Other names: c.1976-2912A>G (NM_001354280.2); c.1955-2912A>G (NM_001354278.2, NM_001354281.2); c.827-2912A>G (NM_001386167.1); c.4328-2912A>G (NM_001354258.2, NM_001354228.2); c.4265-2912A>G (NM_001354245.2, NM_001354262.2, NM_001354275.2); c.4229-2912A>G (NM_001354268.2); c.4127-2912A>G (NM_001354273.2); c.4427-2912A>G (NM_020977.5); and 35 more; short protein forms Q1898R, Q3020R, Q3098R, Q3137R, Q3145R.
Identifiers: ClinVar variation 5018251 (VCV005018251.1).
Genomic context (GRCh38, chr4:113,357,911, plus strand): 5'-CCACCCCTGACACCACTCCTGCTAGGACCCCAACTGAAGAGGGGACCCCAACAAGTGAGC[A>G]AAACCCATTTCTGTTTCAGGAAGGAAAATTGTTTGAAATGACCCGAAGTGGTGCCATTGA-3'
Protein context (NP_001139.3, residues 3088-3108): PTEEGTPTSE[Gln3098Arg]NPFLFQEGKL

ClinVar aggregate classification (germline): Uncertain significance (1 of 4 stars; one submission).

Submission:

GeneDx
Classification: Uncertain significance. Last evaluated: 2026-04-05. Review status: criteria provided, single submitter. Criteria: GeneDx Variant Classification Process June 2021. Collection method: clinical testing. Allele origin: germline.
Comment: Not observed at significant frequency in large population cohorts (gnomAD); In silico analysis suggests that this missense variant does not alter protein structure/function; Has not been previously published as pathogenic or benign to our knowledge